The following is an entry in ClinVar:

ClinVar aggregate classification (germline): Likely benign. Review status: criteria provided, multiple submitters, no conflicts (2 of 4 stars). 2 submissions from 2 submitters: Likely benign (2). Last evaluated 2025-05-14.

Conditions:
3-hydroxy-3-methylglutaryl-CoA synthase deficiency (HMGCS2D). Also called: HMGCS2 DEFICIENCY; MITOCHONDRIAL HMG-CoA SYNTHASE DEFICIENCY; HMG-CoA synthase-2 deficiency. Identifiers: Orphanet 35701, MedGen C2751532, MONDO:0011614, OMIM 605911.

Allele frequency attached by ClinVar (database versions not stated): ExAC 0.00003; gnomAD exomes 0.00003 and 0.00004; ESP Exome Variant Server 0.00008; TOPMed 0.00011; 1000 Genomes Project 30x 0.00016; gnomAD 0.00016 and 0.00018; 1000 Genomes Project 0.00020.
gnomAD v4.1: 75 of 1,614,110 alleles (0.0046%); highest among the groups gnomAD compares: African/African-American, 0.081%; no homozygotes.

Submissions (2):

Labcorp Genetics (formerly Invitae), Labcorp
Classification: Likely benign for 3-hydroxy-3-methylglutaryl-CoA synthase deficiency. Last evaluated: 2025-05-14. Review status: criteria provided, single submitter. Criteria: Invitae Variant Classification Sherloc (09022015). Collection method: clinical testing. Allele origin: germline.

GeneDx
Classification: Likely benign. Last evaluated: 2015-10-19. Review status: criteria provided, single submitter. Criteria: GeneDx Variant Classification (06012015). Collection method: clinical testing. Allele origin: germline. Affected: yes.
Comment: This variant is considered likely benign or benign based on one or more of the following criteria: it is a conservative change, it occurs at a poorly conserved position in the protein, it is predicted to be benign by multiple in silico algorithms, and/or has population frequency not consistent with disease.

NM_005518.4(HMGCS2):c.1311G>A (p.Lys437=)

Gene: HMGCS2 (3-hydroxy-3-methylglutaryl-CoA synthase 2; minus strand). Cytogenetic location: 1p12.
Variant type: single nucleotide variant.
Coding change: c.1311G>A on transcript NM_005518.4 (MANE Select); coding-DNA position 1311, G replaced by A.
Protein change: p.Lys437=; no amino-acid change (lysine 437 retained).
Molecular consequence: synonymous variant.
Genome position (GRCh38, 1-based): chr1:119,752,658, C>T on the plus strand (G>A on the coding strand, the complement: HMGCS2 is on the minus strand). VCF-style: chr1-119752658-C-T. GRCh37 (hg19) VCF-style: chr1-120295281-C-T.
Other names: c.1185G>A, p.Lys395= (NM_001166107.1).
Identifiers: ClinVar variation 381004 (VCV000381004.9), dbSNP rs111284724, ClinGen allele CA1037590.
Genomic context (GRCh38, chr1:119,752,658, plus strand): 5'-AGGAGACACACACTTTCGGGAGGCTAGGCGTTTTGGCAGGTCTGATGTGCTGGACACCAA[C>T]TTGTCCAGGGGAGAGCCTGGGAAGCAAAAGCAAGATTGTTACACCTTTTTCATTGTCATT-3'
Protein context (NP_005509.1, residues 427-447): QDAAPGSPLD[Lys437=]LVSSTSDLPK